The following is an entry in ClinVar:

ClinVar aggregate classification (germline): Uncertain significance (1 of 4 stars; one submission).

Conditions:
Bethlem myopathy 1A. Also called: Bethlem Muscular Dystrophy; MYOPATHY, BENIGN CONGENITAL, WITH CONTRACTURES; Bethlem myopathy 1. Identifiers: Orphanet 610, MedGen CN029274, MONDO:0024530, OMIM 158810.

Allele frequency attached by ClinVar (database versions not stated): gnomAD exomes below 0.00001.
gnomAD v4.1: 1 of 1,612,722 alleles (0.000062%); highest among the groups gnomAD compares: Non-Finnish European, 0.000085%; no homozygotes.

Submission:

Labcorp Genetics (formerly Invitae), Labcorp
Classification: Uncertain significance for Bethlem myopathy 1A. Last evaluated: 2024-10-22. Review status: criteria provided, single submitter. Criteria: Invitae Variant Classification Sherloc (09022015). Collection method: clinical testing. Allele origin: germline.
Comment: This sequence change replaces threonine, which is neutral and polar, with isoleucine, which is neutral and non-polar, at codon 670 of the COL6A2 protein (p.Thr670Ile). This variant is present in population databases (no rsID available, gnomAD 0.004%). This missense change has been observed in individual(s) with clinical features of COL6A2-related conditions (PMID: 32065942). ClinVar contains an entry for this variant (Variation ID: 2182910). Invitae Evidence Modeling of protein sequence and biophysical properties (such as structural, functional, and spatial information, amino acid conservation, physicochemical variation, residue mobility, and thermodynamic stability) indicates that this missense variant is expected to disrupt COL6A2 protein function with a positive predictive value of 80%. In summary, the available evidence is currently insufficient to determine the role of this variant in disease. Therefore, it has been classified as a Variant of Uncertain Significance.

Literature cited by the submitters: PubMed 32065942.

NM_001849.4(COL6A2):c.2009C>T (p.Thr670Ile)

Gene: COL6A2 (collagen type VI alpha 2 chain; plus strand). Cytogenetic location: 21q22.3.
Variant type: single nucleotide variant.
Coding change: c.2009C>T on transcript NM_001849.4 (MANE Select); coding-DNA position 2009, C replaced by T.
Protein change: p.Thr670Ile; replaces threonine 670 with isoleucine.
Molecular consequence: missense variant.
Genome position (GRCh38, 1-based): chr21:46,125,824, C>T. VCF-style: chr21-46125824-C-T. GRCh37 (hg19) VCF-style: chr21-47545738-C-T.
Other names: c.2009C>T, p.Thr670Ile (NM_058174.3, NM_058175.3); short protein forms T670I.
Identifiers: ClinVar variation 2182910 (VCV002182910.4), dbSNP rs886042884, ClinGen allele CA410539779.